The following is an entry in ClinVar:

NM_001849.4(COL6A2):c.1327G>A (p.Glu443Lys)

Gene: COL6A2 (collagen type VI alpha 2 chain; plus strand). Cytogenetic location: 21q22.3.
Variant type: single nucleotide variant.
Coding change: c.1327G>A on transcript NM_001849.4 (MANE Select); coding-DNA position 1327, G replaced by A.
Protein change: p.Glu443Lys; replaces glutamic acid 443 with lysine.
Molecular consequence: missense variant.
Genome position (GRCh38, 1-based): chr21:46,119,845, G>A. VCF-style: chr21-46119845-G-A. GRCh37 (hg19) VCF-style: chr21-47539759-G-A.
Other names: c.1327G>A, p.Glu443Lys (NM_058174.3, NM_058175.3); short protein forms E443K.
Identifiers: ClinVar variation 3342844 (VCV003342844.2).

ClinVar aggregate classification (germline): Uncertain significance (1 of 4 stars; one submission).

gnomAD v4.1: 3 of 1,558,748 alleles (0.00019%); highest among the groups gnomAD compares: East Asian, 0.0024%; no homozygotes.

Submission:

GeneDx
Classification: Uncertain significance. Last evaluated: 2025-05-16. Review status: criteria provided, single submitter. Criteria: GeneDx Variant Classification Process June 2021. Collection method: clinical testing. Allele origin: germline.
Comment: Reported in an individual with metabolic syndrome, but segregation and proband specific clinical information was not provided (PMID: 35999587); Not observed at significant frequency in large population cohorts (gnomAD); In silico analysis supports that this missense variant does not alter protein structure/function; This variant is associated with the following publications: (PMID: 35999587)